The following is an entry in ClinVar:

NM_003070.5(SMARCA2):c.1600G>A (p.Asp534Asn)

Gene: SMARCA2 (SWI/SNF related BAF chromatin remodeling complex subunit ATPase 2; plus strand). Cytogenetic location: 9p24.3.
Variant type: single nucleotide variant.
Coding change: c.1600G>A on transcript NM_003070.5 (MANE Select); coding-DNA position 1600, G replaced by A.
Protein change: p.Asp534Asn; replaces aspartic acid 534 with asparagine.
Molecular consequence: missense variant.
Genome position (GRCh38, 1-based): chr9:2,060,894, G>A. VCF-style: chr9-2060894-G-A. GRCh37 (hg19) VCF-style: chr9-2060894-G-A.
Other names: NM_003070.5(SMARCA2):c.1600G>A; p.Asp534Asn; c.1600G>A, p.Asp534Asn (NM_001289396.2, NM_001289397.2, NM_139045.4); c.1600G>A (NM_003070.3); short protein forms D534N.
Identifiers: ClinVar variation 827769 (VCV000827769.4), dbSNP rs863224922, ClinGen allele CA372782551.

ClinVar aggregate classification (germline): Conflicting classifications of pathogenicity. Review status: criteria provided, conflicting classifications (1 of 4 stars). 4 submissions from 4 submitters: Pathogenic (2); Uncertain significance (1). 1 of the submissions does not count toward it. Last evaluated 2026-03-02.

Conditions:
Blepharophimosis-impaired intellectual development syndrome. Identifiers: Orphanet 637013, MedGen C5443984, MONDO:0859139, OMIM 619293.
Intellectual disability. Also called: intellectual disabilities; Intellectual functioning disability; Intellectual developmental disorder. Identifiers: MedGen C3714756, MeSH D008607, MONDO:0001071, HP:0001249.
Paediatric disorders.

Submissions (4):

Broad Center for Mendelian Genomics, Broad Institute of MIT and Harvard
Classification: Uncertain significance for Blepharophimosis-impaired intellectual development syndrome. Last evaluated: 2026-03-02. Review status: criteria provided, single submitter. Criteria: ACMG Guidelines, 2015. Collection method: research. Allele origin: germline. Inheritance: Autosomal dominant inheritance.
Comment: The p.Asp534Asn variant in SMARCA2 has been reported in 1 individual with blepharophimosis-impaired intellectual development syndrome (PMID: 32694869), and was absent from large population studies. This variant is assumed de novo in 1 individual, but maternity and paternity have not been confirmed (PMID: 32694869). Computational prediction tools and conservation analyses do not provide strong support for or against an impact to the protein. The number of missense variants reported in SMARCA2 in the general population is lower than expected, suggesting there is little benign variation in this gene and slightly increasing the possibility that a missense variant in this gene may not be tolerated. Three additional likely pathogenic variants, resulting in a different amino acid change at the same position, p.Asp534Gly, p.Asp534His, p.Asp534Tyr, have been reported in association with disease in the literature/ClinVar, slightly supporting that a change at this position may not be tolerated (Variation ID: 1319165, 988516, 217002/PMID: 25326637). In summary, while there is some suspicion for a pathogenic role, the clinical significance of this variant is uncertain. ACMG/AMP Criteria applied: PP2, PM2_supporting, PM5_supporting, PM6_supporting (Richards 2015).

North West Genomic Laboratory Hub, Manchester University NHS Foundation Trust
Classification: Pathogenic for Paediatric disorders. Last evaluated: 2025-09-25. Review status: criteria provided, single submitter. Criteria: ACGS Best Practice Guidelines for Variant Classification in Rare Disease 2024. Collection method: clinical testing. Allele origin: germline. Affected: yes.
Comment: PS2_Str PS4_Mod PM1_Mod PM2_Mod

GeneDx
Classification: Pathogenic. Last evaluated: 2024-10-09. Review status: criteria provided, single submitter. Criteria: GeneDx Variant Classification Process June 2021. Collection method: clinical testing. Allele origin: germline. Affected: yes.
Comment: Not observed at significant frequency in large population cohorts (gnomAD); In silico analysis supports that this missense variant has a deleterious effect on protein structure/function; This variant is associated with the following publications: (PMID: 32694869, 25326637, 37500730)

Fondazione Telethon, Telethon Institute of Genetics and Medicine
Classification: Likely pathogenic for Intellectual disability. Review status: no assertion criteria provided. Collection method: clinical testing. Allele origin: de novo. Inheritance: Autosomal dominant inheritance. Affected: yes. Not counted in ClinVar's aggregate classification.